The following is an entry in ClinVar:

ClinVar aggregate classification (germline): Conflicting classifications of pathogenicity. Review status: criteria provided, conflicting classifications (1 of 4 stars). 6 submissions from 6 submitters: Uncertain significance (2); Likely benign (2). 2 of the submissions do not count toward it. Last evaluated 2026-01-18.

Conditions:
PEX10-related disorder. Also called: PEX10-related condition.
Zellweger spectrum disorders (ZS). Also called: Zellweger syndrome; Zellweger Spectrum Disorder; Zellweger Spectrum; Zellweger Spectrum Disorder (ZSD). Identifiers: Orphanet 912, MedGen C0043459, MONDO:0019609.
Peroxisome biogenesis disorder, complementation group 7 (CG7). Also called: Peroxisome biogenesis disorder, complementation group B. Identifiers: MedGen C1864399.
Peroxisome biogenesis disorder 6A (Zellweger). Also called: Peroxisome biogenesis disorder 6A. Identifiers: Orphanet 912, MedGen C3553947, MONDO:0013936, OMIM 614870.

Allele frequency attached by ClinVar (database versions not stated): gnomAD 0.00027 and 0.00029; gnomAD exomes 0.00031; ExAC 0.00034; TOPMed 0.00034; ESP Exome Variant Server 0.00062.

Submissions (6):

Labcorp Genetics (formerly Invitae), Labcorp
Classification: Likely benign for Peroxisome biogenesis disorder, complementation group 7. Last evaluated: 2026-01-18. Review status: criteria provided, single submitter. Criteria: Invitae Variant Classification Sherloc (09022015). Collection method: clinical testing. Allele origin: germline.

Blueprint Genetics
Classification: Likely benign. Last evaluated: 2024-11-19. Review status: criteria provided, single submitter. Criteria: ACMG Guidelines, 2015. Collection method: clinical testing. Allele origin: germline.

Illumina Laboratory Services, Illumina
Classification: Uncertain significance for Peroxisome biogenesis disorder 6A (Zellweger). Last evaluated: 2018-01-12. Review status: criteria provided, single submitter. Criteria: ICSL Variant Classification Criteria 13 December 2019. Collection method: clinical testing. Allele origin: germline.

Eurofins Ntd Llc (ga)
Classification: Uncertain significance. Last evaluated: 2017-12-07. Review status: criteria provided, single submitter. Criteria: EGL Classification Definitions 2015. Collection method: clinical testing. Allele origin: germline. Observed: 2 variant alleles, 2 heterozygotes.

PreventionGenetics, part of Exact Sciences
Classification: Likely benign for PEX10-related condition. Last evaluated: 2022-11-09. Review status: no assertion criteria provided. Collection method: clinical testing. Allele origin: germline. Not counted in ClinVar's aggregate classification.
Comment: This variant is classified as likely benign based on ACMG/AMP sequence variant interpretation guidelines (Richards et al. 2015 PMID: 25741868, with internal and published modifications).

Natera, Inc.
Classification: Uncertain significance for Zellweger syndrome. Last evaluated: 2020-01-17. Review status: no assertion criteria provided. Collection method: clinical testing. Allele origin: germline. Not counted in ClinVar's aggregate classification.

NM_002617.4(PEX10):c.316C>T (p.Leu106=)

Gene: PEX10 (peroxisomal biogenesis factor 10; minus strand). Cytogenetic location: 1p36.32.
Variant type: single nucleotide variant.
Coding change: c.316C>T on transcript NM_002617.4 (MANE Select); coding-DNA position 316, C replaced by T.
Protein change: p.Leu106=; no amino-acid change (leucine 106 retained).
Molecular consequence: synonymous variant. On other transcripts: 5 prime UTR variant (2), non-coding transcript variant (1).
Genome position (GRCh38, 1-based): chr1:2,408,736, G>A on the plus strand (C>T on the coding strand, the complement: PEX10 is on the minus strand). VCF-style: chr1-2408736-G-A. GRCh37 (hg19) VCF-style: chr1-2340175-G-A.
Other names: c.316C>T, p.Leu106= (NM_001374425.1, NM_153818.2); c.-117C>T (NM_001374426.1, NM_001374427.1).
Identifiers: ClinVar variation 296281 (VCV000296281.22), dbSNP rs140340426, ClinGen allele CA538213.